The following is an entry in ClinVar:

ClinVar aggregate classification (germline): Conflicting classifications of pathogenicity. Review status: criteria provided, conflicting classifications (1 of 4 stars). 4 submissions from 4 submitters: Uncertain significance (3); Likely benign (1). Last evaluated 2026-06-15.

Conditions:
Gastrointestinal stromal tumor. Also called: Gastrointestinal stroma tumor; Gastrointestinal stromal tumor, somatic. Identifiers: Orphanet 44890, MedGen C0238198, MeSH D046152, MONDO:0011719, OMIM 606764, HP:0100723.
Polyps, multiple and recurrent inflammatory fibroid, gastrointestinal. Identifiers: MedGen C5193005, MONDO:0008285, OMIM 175510.
Hereditary cancer-predisposing syndrome. Also called: Tumor predisposition; Hereditary neoplastic syndrome; Neoplastic Syndromes, Hereditary; Hereditary Cancer Syndrome. Identifiers: Orphanet 140162, MedGen C0027672, MeSH D009386, MONDO:0015356.

Allele frequency attached by ClinVar (database versions not stated): TOPMed 0.00001.
gnomAD v4.1: 8 of 1,613,514 alleles (0.0005%); highest among the groups gnomAD compares: Non-Finnish European, 0.00068%; no homozygotes.

Submissions (4):

Myriad Genetics, Inc.
Classification: Likely benign for Polyps, multiple and recurrent inflammatory fibroid, gastrointestinal. Last evaluated: 2026-06-15. Review status: criteria provided, single submitter. Criteria: Myriad Autosomal Dominant, Autosomal Recessive and X-Linked Classification Criteria (2023). Collection method: clinical testing. Allele origin: unknown.
Comment: This variant is considered likely benign. This variant has been observed at a population frequency that is significantly greater than expected given the associated disease prevalence and penetrance.

Labcorp Genetics (formerly Invitae), Labcorp
Classification: Uncertain significance for Gastrointestinal stromal tumor. Last evaluated: 2025-12-28. Review status: criteria provided, single submitter. Criteria: Invitae Variant Classification Sherloc (09022015). Collection method: clinical testing. Allele origin: germline.
Comment: This sequence change replaces lysine, which is basic and polar, with arginine, which is basic and polar, at codon 769 of the PDGFRA protein (p.Lys769Arg). This variant is present in population databases (rs373061721, gnomAD 0.002%). This variant has not been reported in the literature in individuals affected with PDGFRA-related conditions. ClinVar contains an entry for this variant (Variation ID: 459049). Invitae Evidence Modeling of protein sequence and biophysical properties (such as structural, functional, and spatial information, amino acid conservation, physicochemical variation, residue mobility, and thermodynamic stability) indicates that this missense variant is not expected to disrupt PDGFRA protein function with a negative predictive value of 80%. Algorithms developed to predict the effect of sequence changes on RNA splicing suggest that this variant may disrupt the consensus splice site. In summary, the available evidence is currently insufficient to determine the role of this variant in disease. Therefore, it has been classified as a Variant of Uncertain Significance.

Ambry Genetics
Classification: Uncertain significance for Hereditary cancer-predisposing syndrome. Last evaluated: 2025-03-04. Review status: criteria provided, single submitter. Criteria: Ambry Variant Classification Scheme 2023. Collection method: clinical testing. Allele origin: germline.
Comment: The p.K769R variant (also known as c.2306A>G), located in coding exon 15 of the PDGFRA gene, results from an A to G substitution at nucleotide position 2306. The lysine at codon 769 is replaced by arginine, an amino acid with highly similar properties. This amino acid position is highly conserved in available vertebrate species. In addition, the in silico prediction for this alteration is inconclusive. Based on the available evidence, the clinical significance of this variant remains unclear.

Baylor Genetics
Classification: Uncertain significance for Polyps, multiple and recurrent inflammatory fibroid, gastrointestinal. Last evaluated: 2023-12-18. Review status: criteria provided, single submitter. Criteria: ACMG Guidelines, 2015. Collection method: clinical testing. Allele origin: unknown.

NM_006206.6(PDGFRA):c.2306A>G (p.Lys769Arg)

Gene: PDGFRA (platelet derived growth factor receptor alpha; plus strand). Cytogenetic location: 4q12.
Variant type: single nucleotide variant.
Coding change: c.2306A>G on transcript NM_006206.6 (MANE Select); coding-DNA position 2306, A replaced by G.
Protein change: p.Lys769Arg; replaces lysine 769 with arginine.
Molecular consequence: missense variant.
Genome position (GRCh38, 1-based): chr4:54,280,465, A>G. VCF-style: chr4-54280465-A-G. GRCh37 (hg19) VCF-style: chr4-55146632-A-G.
Other names: c.2306A>G, p.Lys769Arg (NM_001347827.2, NM_001347829.2); c.2381A>G, p.Lys794Arg (NM_001347828.2); c.2345A>G, p.Lys782Arg (NM_001347830.2); short protein forms K769R, K794R, K782R.
Identifiers: ClinVar variation 459049 (VCV000459049.13), dbSNP rs373061721, ClinGen allele CA2922805.
Genomic context (GRCh38, chr4:54,280,465, plus strand): 5'-AAGAGGTTTCTAAATATTCCGACATCCAGAGATCACTCTATGATCGTCCAGCCTCATATA[A>G]GAAGAAATCTATGTTAGGTAAAAGTGTCTATACTCACTCTGGGTGTTGGGACTTTCCAGT-3'
Protein context (NP_006197.1, residues 759-779): RSLYDRPASY[Lys769Arg]KKSMLDSEVK